The following is an entry in ClinVar:

ClinVar aggregate classification (germline): Benign/Likely benign. Review status: criteria provided, multiple submitters, no conflicts (2 of 4 stars). 3 submissions from 3 submitters: Benign (1); Likely benign (2). Last evaluated 2026-01-06.

Conditions:
Juvenile polyposis syndrome (JPS). Identifiers: Orphanet 2929, MedGen C0345893, MONDO:0017380, OMIM 174900.
Hereditary cancer-predisposing syndrome. Also called: Hereditary neoplastic syndrome; Neoplastic Syndromes, Hereditary; Tumor predisposition; Hereditary Cancer Syndrome. Identifiers: Orphanet 140162, MedGen C0027672, MeSH D009386, MONDO:0015356.

Allele frequency attached by ClinVar (database versions not stated): gnomAD exomes below 0.00001; TOPMed 0.00001.

Submissions (3):

Labcorp Genetics (formerly Invitae), Labcorp
Classification: Likely benign for Juvenile polyposis syndrome. Last evaluated: 2026-01-06. Review status: criteria provided, single submitter. Criteria: Invitae Variant Classification Sherloc (09022015). Collection method: clinical testing. Allele origin: germline.

Myriad Genetics, Inc.
Classification: Benign for Juvenile polyposis syndrome. Last evaluated: 2024-08-02. Review status: criteria provided, single submitter. Criteria: Myriad Autosomal Dominant, Autosomal Recessive and X-Linked Classification Criteria (2023). Collection method: clinical testing. Allele origin: unknown.
Comment: This variant is considered benign. This variant is a silent/synonymous amino acid change and it is not expected to impact splicing.

Ambry Genetics
Classification: Likely benign for Hereditary cancer-predisposing syndrome. Last evaluated: 2016-04-06. Review status: criteria provided, single submitter. Criteria: Ambry Variant Classification Scheme 2023. Collection method: clinical testing. Allele origin: germline.

NM_004329.3(BMPR1A):c.663A>C (p.Gly221=)

Gene: BMPR1A (bone morphogenetic protein receptor type 1A; plus strand). Cytogenetic location: 10q23.2.
Variant type: single nucleotide variant.
Coding change: c.663A>C on transcript NM_004329.3 (MANE Select); coding-DNA position 663, A replaced by C.
Protein change: p.Gly221=; no amino-acid change (glycine 221 retained).
Molecular consequence: synonymous variant.
Genome position (GRCh38, 1-based): chr10:86,912,372, A>C. VCF-style: chr10-86912372-A-C. GRCh37 (hg19) VCF-style: chr10-88672129-A-C.
Identifiers: ClinVar variation 482864 (VCV000482864.15), dbSNP rs1462920023, ClinGen allele CA470307745.
Genomic context (GRCh38, chr10:86,912,372, plus strand): 5'-AGTTGGAGAATCACTAAAAGACCTTATTGACCAGTCACAAAGTTCTGGTAGTGGGTCTGG[A>C]CTACCTTTATTGGTAAGTTAAACGTTCCTATAGACATGAATGGTGTGTTGATTTAGAATG-3'
Protein context (NP_004320.2, residues 211-231): DQSQSSGSGS[Gly221=]LPLLVQRTIA